The following is an entry in ClinVar:

ClinVar aggregate classification (germline): Uncertain significance. Review status: criteria provided, multiple submitters, no conflicts (2 of 4 stars). 2 submissions from 2 submitters: Uncertain significance (2). Last evaluated 2020-01-11.

Allele frequency attached by ClinVar (database versions not stated): TOPMed 0.00001.
gnomAD v4.1: 1 of 1,211,799 alleles (0.000083%); highest among the groups gnomAD compares: Admixed American, 0.0022%; no homozygotes.

Submissions (2):

GeneDx
Classification: Uncertain significance. Last evaluated: 2020-01-11. Review status: criteria provided, single submitter. Criteria: GeneDx Variant Classification Process June 2021. Collection method: clinical testing. Allele origin: germline. Affected: yes.
Comment: Not observed in large population cohorts (Lek et al., 2016); The majority of missense variants in this gene are considered pathogenic (Stenson et al., 2014); In silico analysis, which includes protein predictors and evolutionary conservation, supports a deleterious effect; Has not been previously published as pathogenic or benign to our knowledge; A different missense change at this residue (p.E67D) has been reported in an individual with hypodontia in the published literature (Fan et al., 2008)

Laboratory for Molecular Medicine, Mass General Brigham Personalized Medicine
Classification: Uncertain significance. Last evaluated: 2014-06-21. Review status: criteria provided, single submitter. Criteria: LMM Criteria. Collection method: clinical testing. Allele origin: germline. Observed: 1 variant allele.
Comment: The Glu67Asp variant in EDA has not been previously reported in individuals with X-linked hypohidrotic ectodermal dysplasia (XLHED) and was absent from large po pulation studiesComputational prediction tools and conservation analysis do not provide strong support for or against an impact to the protein. In summary, the clinical significance of the Glu67Asp variant is uncertain.

NM_001399.5(EDA):c.201G>T (p.Glu67Asp)

Gene: EDA (ectodysplasin A; plus strand). Cytogenetic location: Xq13.1.
Variant type: single nucleotide variant.
Coding change: c.201G>T on transcript NM_001399.5 (MANE Select); coding-DNA position 201, G replaced by T.
Protein change: p.Glu67Asp; replaces glutamic acid 67 with aspartic acid.
Molecular consequence: missense variant.
Genome position (GRCh38, 1-based): chrX:69,616,509, G>T. VCF-style: chrX-69616509-G-T. GRCh37 (hg19) VCF-style: chrX-68836353-G-T.
Other names: c.201G>T, p.Glu67Asp (NM_001005609.2, NM_001005610.4, NM_001005612.3 and 1 more transcripts); short protein forms E67D.
Identifiers: ClinVar variation 179832 (VCV000179832.6), dbSNP rs727505160, ClinGen allele CA185226.